The following is an entry in ClinVar:

ClinVar aggregate classification (germline): Pathogenic/Likely pathogenic. Review status: criteria provided, multiple submitters, no conflicts (2 of 4 stars). 3 submissions from 3 submitters: Pathogenic (2); Likely pathogenic (1). Last evaluated 2025-07-15.

Conditions:
Hereditary nonpolyposis colorectal neoplasms. Identifiers: MedGen C0009405, MeSH D003123.
Hereditary cancer-predisposing syndrome. Also called: Hereditary Cancer Syndrome; Neoplastic Syndromes, Hereditary; Tumor predisposition; Hereditary neoplastic syndrome. Identifiers: Orphanet 140162, MedGen C0027672, MeSH D009386, MONDO:0015356.
Lynch syndrome 4 (LYNCH4). Also called: Colorectal cancer, hereditary nonpolyposis, type 4; Hereditary non-polyposis colorectal cancer, type 4. Identifiers: Orphanet 144, MedGen C1838333, MONDO:0013699, OMIM 614337. Disease mechanism: loss of function.

Submissions (3):

Labcorp Genetics (formerly Invitae), Labcorp
Classification: Pathogenic for Hereditary nonpolyposis colorectal neoplasms. Last evaluated: 2025-07-15. Review status: criteria provided, single submitter. Criteria: Invitae Variant Classification Sherloc (09022015). Collection method: clinical testing. Allele origin: germline.
Comment: This sequence change creates a premature translational stop signal (p.Glu180*) in the PMS2 gene. RNA analysis indicates that this premature translational stop signal induces altered splicing and may result in an absent or altered protein product. This variant is not present in population databases (gnomAD no frequency). This variant has not been reported in the literature in individuals affected with PMS2-related conditions. ClinVar contains an entry for this variant (Variation ID: 1747225). Studies have shown that this premature translational stop signal results in activation of a cryptic splice site, and produces a non-functional protein and/or introduces a premature termination codon (internal data). For these reasons, this variant has been classified as Pathogenic.

Baylor Genetics
Classification: Likely pathogenic for Lynch syndrome 4. Last evaluated: 2023-10-30. Review status: criteria provided, single submitter. Criteria: ACMG Guidelines, 2015. Collection method: clinical testing. Allele origin: unknown.

Ambry Genetics
Classification: Pathogenic for Hereditary cancer-predisposing syndrome. Last evaluated: 2021-10-29. Review status: criteria provided, single submitter. Criteria: Ambry Variant Classification Scheme 2023. Collection method: clinical testing. Allele origin: germline.
Comment: The p.E180* pathogenic mutation (also known as c.538G>T), located in coding exon 6 of the PMS2 gene, results from a G to T substitution at nucleotide position 538. This changes the amino acid from a glutamic acid to a stop codon within coding exon 6. This variant is considered to be rare based on population cohorts in the Genome Aggregation Database (gnomAD). This alteration is expected to result in loss of function by premature protein truncation or nonsense-mediated mRNA decay. As such, this alteration is interpreted as a disease-causing mutation.

NM_000535.7(PMS2):c.538G>T (p.Glu180Ter)

Gene: PMS2 (PMS1 homolog 2, mismatch repair system component; minus strand). Cytogenetic location: 7p22.1.
Variant type: single nucleotide variant.
Coding change: c.538G>T on transcript NM_000535.7 (MANE Select); coding-DNA position 538, G replaced by T.
Protein change: p.Glu180Ter; replaces glutamic acid 180 with a stop codon.
Molecular consequence: nonsense. On other transcripts: non-coding transcript variant (1), intron variant (3).
Genome position (GRCh38, 1-based): chr7:5,999,275, C>A on the plus strand (G>T on the coding strand, the complement: PMS2 is on the minus strand). VCF-style: chr7-5999275-C-A. GRCh37 (hg19) VCF-style: chr7-6038906-C-A.
Other names: c.133G>T, p.Glu45Ter (NM_001018040.1, NM_001322003.2, NM_001322004.2 and 22 more transcripts); c.538G>T, p.Glu180Ter (NM_001322006.2, NM_001322014.2, NM_001406869.1 and 5 more transcripts); c.220G>T, p.Glu74Ter (NM_001322007.2, NM_001322008.2, NM_001406876.1 and 4 more transcripts); c.229G>T, p.Glu77Ter (NM_001322015.2, NM_001406875.1, NM_001406877.1 and 6 more transcripts); c.724G>T, p.Glu242Ter (NM_001406866.1); c.562G>T, p.Glu188Ter (NM_001406868.1); c.133-1852G>T (NM_001322013.2); c.-347-49G>T (NM_001322012.2, NM_001322011.2); short protein forms E188*, E242*, E77*, E180*, E74*, E45*.
Identifiers: ClinVar variation 1747225 (VCV001747225.4), dbSNP rs876660198, ClinGen allele CA366744137.